The following is an entry in ClinVar:

NM_000059.4(BRCA2):c.7277_7283del (p.Ile2426fs)

Gene: BRCA2 (BRCA2 DNA repair associated; plus strand). Cytogenetic location: 13q13.1.
Variant type: Deletion.
Coding change: c.7277_7283del on transcript NM_000059.4 (MANE Select); coding-DNA positions 7277 to 7283, 7 bases deleted (TTAACTT; older notation c.7277_7283delTTAACTT).
Protein change: p.Ile2426fs; shifts the reading frame from isoleucine 2426.
Molecular consequence: frameshift variant.
Genome position (GRCh38, 1-based): chr13:32,355,130-32,355,136, TTAACTT deleted. VCF-style (leftmost placement, unchanged base first): chr13-32355129-ATTAACTT-A. GRCh37 (hg19) VCF-style: chr13-32929266-ATTAACTT-A.
Other names: 7505del7; short protein forms I2426fs.
Identifiers: ClinVar variation 266996 (VCV000266996.7), dbSNP rs886040695, ClinGen allele CA10589420.
Genomic context (GRCh38, chr13:32,355,129, plus strand): 5'-TTTGTTCCACCTTTTAAAACTAAATCACATTTTCACAGAGTTGAACAGTGTGTTAGGAAT[ATTAACTT>A]GGAGGAAAACAGACAAAAGCAAAACATTGATGGACATGGCTCTGATGATAGTAAAAATAA-3'

ClinVar aggregate classification (germline): Pathogenic. Review status: reviewed by expert panel (3 of 4 stars). 3 submissions from 3 submitters: Pathogenic (1). 2 of the submissions do not count toward it. Last evaluated 2016-10-18.

Conditions:
Hereditary cancer-predisposing syndrome. Also called: Hereditary neoplastic syndrome; Neoplastic Syndromes, Hereditary; Tumor predisposition; Hereditary Cancer Syndrome. Identifiers: Orphanet 140162, MedGen C0027672, MeSH D009386, MONDO:0015356.
Breast-ovarian cancer, familial, susceptibility to, 2 (BROVCA2). Also called: BRCA2 Hereditary Breast and Ovarian Cancer. Identifiers: Orphanet 145, MedGen C2675520, MONDO:0012933, OMIM 612555. Disease mechanism: loss of function.

Submissions (3):

Evidence-based Network for the Interpretation of Germline Mutant Alleles (ENIGMA)
Classification: Pathogenic for Breast-ovarian cancer, familial, susceptibility to, 2. Last evaluated: 2016-10-18. Review status: reviewed by expert panel. Criteria: ENIGMA BRCA1/2 Classification Criteria (2015). Collection method: curation. Allele origin: germline.
Comment: Variant allele predicted to encode a truncated non-functional protein.

Color Diagnostics, LLC DBA Color Health
Classification: Pathogenic for Hereditary cancer-predisposing syndrome. Last evaluated: 2022-06-06. Review status: criteria provided, single submitter. Criteria: ACMG Guidelines, 2015. Collection method: clinical testing. Allele origin: germline. Not counted in ClinVar's aggregate classification.
Comment: This variant deletes 7 nucleotides in exon 14 of the BRCA2 gene, creating a frameshift and premature translation stop signal. This variant is expected to result in an absent or non-functional protein product. To our knowledge, this variant has not been reported in individuals affected with hereditary cancer in the literature. This variant has not been identified in the general population by the Genome Aggregation Database (gnomAD). Loss of BRCA2 function is a known mechanism of disease. Based on the available evidence, this variant is classified as Pathogenic.

Consortium of Investigators of Modifiers of BRCA1/2 (CIMBA), c/o University of Cambridge
Classification: Pathogenic for Breast-ovarian cancer, familial, susceptibility to, 2. Last evaluated: 2015-10-02. Review status: criteria provided, single submitter. Criteria: CIMBA Mutation Classification guidelines May 2016. Collection method: clinical testing. Allele origin: germline. Not counted in ClinVar's aggregate classification.